The following is an entry in ClinVar:

ClinVar aggregate classification (germline): Conflicting classifications of pathogenicity. Review status: criteria provided, conflicting classifications (1 of 4 stars). 2 submissions from 2 submitters: Likely pathogenic (1); Uncertain significance (1). Last evaluated 2024-03-11.

Conditions:
Cystic fibrosis (CF). Also called: MUCOVISCIDOSIS. Identifiers: Orphanet 586, MedGen C0010674, MONDO:0009061, OMIM 219700. Disease mechanism: loss of function.

Allele frequency attached by ClinVar (database versions not stated): gnomAD exomes below 0.00001.
gnomAD v4.1: 2 of 1,603,150 alleles (0.00012%); highest among the groups gnomAD compares: Non-Finnish European, 0.00017%; no homozygotes.

Submissions (2):

Ambry Genetics
Classification: Uncertain significance for Cystic fibrosis. Last evaluated: 2024-03-11. Review status: criteria provided, single submitter. Criteria: Ambry Variant Classification Scheme 2023. Collection method: clinical testing. Allele origin: germline.
Comment: The p.D567A variant (also known as c.1700A>C), located in coding exon 13 of the CFTR gene, results from an A to C substitution at nucleotide position 1700. The aspartic acid at codon 567 is replaced by alanine, an amino acid with dissimilar properties. This amino acid position is highly conserved in available vertebrate species. In addition, this alteration is predicted to be deleterious by in silico analysis. Based on the available evidence, the clinical significance of this alteration remains unclear.

ARUP Laboratories, Molecular Genetics and Genomics, ARUP Laboratories
Classification: Likely pathogenic. Last evaluated: 2018-01-03. Review status: criteria provided, single submitter. Criteria: ARUP Molecular Germline Variant Investigation Process. Collection method: clinical testing. Allele origin: germline.
Comment: The CFTR c.1700A>C; p.Asp567Ala variant, to our knowledge, has not been reported in the literature in individuals with CF. However, this aspartate residue is part of a consensus diacidic endoplasmic reticulum (ER) exit motif (DAD residues 565-567), and the p.Asp567Ala variant is shown to disrupt Sec23/Sec24 binding and block exit of CFTR protein from the ER (Wang 2004). Alterations at the other aspartate residue in this motif (p.Asp565Glu, p.Asp565Gly) have been reported in patients with CF (Schrijver 2016, see database link). The p.Asp567Ala variant is absent from the general population databases (1000 Genomes Project, Exome Variant Server, Genome Aggregation Database), indicating it is not a common polymorphism. Computational algorithms (SIFT, PolyPhen2, MutationTaster, Align GVGD) are supportive of experimental data and predict this variant to be deleterious to the protein. Based on the above information, the p.Asp567Ala variant is considered likely pathogenic but with unknown severity. REFERENCES Link to SickKids database: Schrijver I et al. The Spectrum of CFTR Variants in Nonwhite Cystic Fibrosis Patients: Implications for Molecular Diagnostic Testing. J Mol Diagn. 2016 Jan;18(1):39-50. Wang X et al. COPII-dependent export of cystic fibrosis transmembrane conductance regulator from the ER uses a di-acidic exit code. J Cell Biol. 2004 Oct 11;167(1):65-74.

NM_000492.4(CFTR):c.1700A>C (p.Asp567Ala)

Gene: CFTR (CF transmembrane conductance regulator; plus strand). Cytogenetic location: 7q31.2.
Variant type: single nucleotide variant.
Coding change: c.1700A>C on transcript NM_000492.4 (MANE Select); coding-DNA position 1700, A replaced by C.
Protein change: p.Asp567Ala; replaces aspartic acid 567 with alanine.
Molecular consequence: missense variant.
Genome position (GRCh38, 1-based): chr7:117,590,373, A>C. VCF-style: chr7-117590373-A-C. GRCh37 (hg19) VCF-style: chr7-117230427-A-C.
Other names: short protein forms D567A.
Identifiers: ClinVar variation 618012 (VCV000618012.9), dbSNP rs1562907186, ClinGen allele CA368977086.